The following is an entry in ClinVar:

ClinVar aggregate classification (germline): Uncertain significance (1 of 4 stars; one submission).

Conditions:
Hereditary spastic paraplegia 8 (SPG8). Also called: SPASTIC PARAPLEGIA 8, AUTOSOMAL DOMINANT. Identifiers: Orphanet 100989, MedGen C1863704, MONDO:0011339, OMIM 603563.
Ritscher-Schinzel syndrome. Also called: CRANIOCEREBELLOCARDIAC DYSPLASIA. Identifiers: Orphanet 7, MedGen C0796137, MONDO:0019078.

Allele frequency attached by ClinVar (database versions not stated): gnomAD exomes below 0.00001 and 0.00001; TOPMed 0.00001.
gnomAD v4.1: 4 of 1,613,892 alleles (0.00025%); highest among the groups gnomAD compares: Non-Finnish European, 0.00025%; no homozygotes.

Submission:

Labcorp Genetics (formerly Invitae), Labcorp
Classification: Uncertain significance for Ritscher-Schinzel syndrome; Hereditary spastic paraplegia 8. Last evaluated: 2021-06-16. Review status: criteria provided, single submitter. Criteria: Invitae Variant Classification Sherloc (09022015). Collection method: clinical testing. Allele origin: germline.
Comment: This variant has not been reported in the literature in individuals with WASHC5-related conditions. This sequence change affects codon 519 of the WASHC5 mRNA. It is a 'silent' change, meaning that it does not change the encoded amino acid sequence of the WASHC5 protein. This variant is not present in population databases (ExAC no frequency). Algorithms developed to predict the effect of sequence changes on RNA splicing suggest that this variant may create or strengthen a splice site, but this prediction has not been confirmed by published transcriptional studies. In summary, the available evidence is currently insufficient to determine the role of this variant in disease. Therefore, it has been classified as a Variant of Uncertain Significance.

NM_014846.4(WASHC5):c.1557A>G (p.Gln519=)

Gene: WASHC5 (WASH complex subunit 5; minus strand). Cytogenetic location: 8q24.13.
Variant type: single nucleotide variant.
Coding change: c.1557A>G on transcript NM_014846.4 (MANE Select); coding-DNA position 1557, A replaced by G.
Protein change: p.Gln519=; no amino-acid change (glutamine 519 retained).
Molecular consequence: synonymous variant.
Genome position (GRCh38, 1-based): chr8:125,059,507, T>C on the plus strand (A>G on the coding strand, the complement: WASHC5 is on the minus strand). VCF-style: chr8-125059507-T-C. GRCh37 (hg19) VCF-style: chr8-126071749-T-C.
Other names: c.1113A>G, p.Gln371= (NM_001330609.2).
Identifiers: ClinVar variation 1475611 (VCV001475611.8), dbSNP rs1374104992, ClinGen allele CA462770324.